The following is an entry in ClinVar:

ClinVar aggregate classification (germline): Uncertain significance. Review status: criteria provided, multiple submitters, no conflicts (2 of 4 stars). 2 submissions from 2 submitters: Uncertain significance (2). Last evaluated 2025-12-27.

Conditions:
Hereditary cancer-predisposing syndrome. Also called: Neoplastic Syndromes, Hereditary; Hereditary neoplastic syndrome; Tumor predisposition; Hereditary Cancer Syndrome. Identifiers: Orphanet 140162, MedGen C0027672, MeSH D009386, MONDO:0015356.
DICER1-related tumor predisposition. Also called: DICER1-related pleuropulmonary blastoma cancer predisposition syndrome; DICER1 syndrome. Identifiers: Orphanet 284343, MedGen C3839822, MONDO:0100216.

Submissions (2):

Ambry Genetics
Classification: Uncertain significance for Hereditary cancer-predisposing syndrome. Last evaluated: 2025-12-27. Review status: criteria provided, single submitter. Criteria: Ambry Variant Classification Scheme 2023. Collection method: clinical testing. Allele origin: germline.
Comment: The p.Q928R variant (also known as c.2783A>G), located in coding exon 16 of the DICER1 gene, results from an A to G substitution at nucleotide position 2783. The glutamine at codon 928 is replaced by arginine, an amino acid with highly similar properties. This amino acid position is conserved. In addition, the in silico prediction for this alteration is inconclusive. Based on the available evidence, the clinical significance of this variant remains unclear.

Labcorp Genetics (formerly Invitae), Labcorp
Classification: Uncertain significance for DICER1-related tumor predisposition. Last evaluated: 2025-03-04. Review status: criteria provided, single submitter. Criteria: Invitae Variant Classification Sherloc (09022015). Collection method: clinical testing. Allele origin: germline.
Comment: This sequence change replaces glutamine, which is neutral and polar, with arginine, which is basic and polar, at codon 928 of the DICER1 protein (p.Gln928Arg). This variant is not present in population databases (gnomAD no frequency). This variant has not been reported in the literature in individuals affected with DICER1-related conditions. Invitae Evidence Modeling of protein sequence and biophysical properties (such as structural, functional, and spatial information, amino acid conservation, physicochemical variation, residue mobility, and thermodynamic stability) indicates that this missense variant is not expected to disrupt DICER1 protein function with a negative predictive value of 95%. In summary, the available evidence is currently insufficient to determine the role of this variant in disease. Therefore, it has been classified as a Variant of Uncertain Significance.

NM_177438.3(DICER1):c.2783A>G (p.Gln928Arg)

Gene: DICER1 (dicer 1, ribonuclease III; minus strand). Cytogenetic location: 14q32.13.
Variant type: single nucleotide variant.
Coding change: c.2783A>G on transcript NM_177438.3 (MANE Select); coding-DNA position 2783, A replaced by G.
Protein change: p.Gln928Arg; replaces glutamine 928 with arginine.
Molecular consequence: missense variant. On other transcripts: non-coding transcript variant (6).
Genome position (GRCh38, 1-based): chr14:95,107,629, T>C on the plus strand (A>G on the coding strand, the complement: DICER1 is on the minus strand). VCF-style: chr14-95107629-T-C. GRCh37 (hg19) VCF-style: chr14-95573966-T-C.
Other names: c.2783A>G, p.Gln928Arg (NM_001195573.1, NM_001271282.3, NM_001291628.2 and 12 more transcripts); c.2216A>G, p.Gln739Arg (NM_001395691.1); c.2378A>G, p.Gln793Arg (NM_001395696.1, NM_001395687.1, NM_001395688.1 and 2 more transcripts); c.1100A>G, p.Gln367Arg (NM_001395697.1); c.2501A>G, p.Gln834Arg (NM_001395686.1); short protein forms Q793R, Q367R, Q928R, Q739R, Q834R.
Identifiers: ClinVar variation 4746821 (VCV004746821.2).